The following is an entry in ClinVar:

ClinVar aggregate classification (germline): Uncertain significance. Review status: criteria provided, multiple submitters, no conflicts (2 of 4 stars). 2 submissions from 2 submitters: Uncertain significance (2). Last evaluated 2024-05-23.

Allele frequency attached by ClinVar (database versions not stated): gnomAD exomes 0.00001; gnomAD 0.00007; TOPMed 0.00013.

Submissions (2):

Ambry Genetics
Classification: Uncertain significance. Last evaluated: 2024-05-23. Review status: criteria provided, single submitter. Criteria: Ambry Variant Classification Scheme 2023. Collection method: clinical testing. Allele origin: germline.

Labcorp Genetics (formerly Invitae), Labcorp
Classification: Uncertain significance. Last evaluated: 2024-04-20. Review status: criteria provided, single submitter. Criteria: Invitae Variant Classification Sherloc (09022015). Collection method: clinical testing. Allele origin: germline.
Comment: This sequence change replaces lysine, which is basic and polar, with glutamic acid, which is acidic and polar, at codon 99 of the NPPC protein (p.Lys99Glu). This variant is present in population databases (no rsID available, gnomAD no frequency). This variant has not been reported in the literature in individuals affected with NPPC-related conditions. ClinVar contains an entry for this variant (Variation ID: 2047644). An algorithm developed to predict the effect of missense changes on protein structure and function (PolyPhen-2) suggests that this variant is likely to be disruptive. In summary, the available evidence is currently insufficient to determine the role of this variant in disease. Therefore, it has been classified as a Variant of Uncertain Significance.

NM_024409.4(NPPC):c.295A>G (p.Lys99Glu)

Gene: NPPC (natriuretic peptide C; minus strand). Cytogenetic location: 2q37.1.
Variant type: single nucleotide variant.
Coding change: c.295A>G on transcript NM_024409.4 (MANE Select); coding-DNA position 295, A replaced by G.
Protein change: p.Lys99Glu; replaces lysine 99 with glutamic acid.
Molecular consequence: missense variant.
Genome position (GRCh38, 1-based): chr2:231,925,511, T>C on the plus strand (A>G on the coding strand, the complement: NPPC is on the minus strand). VCF-style: chr2-231925511-T-C. GRCh37 (hg19) VCF-style: chr2-232790221-T-C.
Other names: short protein forms K99E.
Identifiers: ClinVar variation 2047644 (VCV002047644.6), dbSNP rs962257798, ClinGen allele CA67489335.